The following is an entry in ClinVar:

NM_014927.5(CNKSR2):c.733A>G (p.Thr245Ala)

Gene: CNKSR2 (connector enhancer of kinase suppressor of Ras 2; plus strand). Cytogenetic location: Xp22.12.
Variant type: single nucleotide variant.
Coding change: c.733A>G on transcript NM_014927.5 (MANE Select); coding-DNA position 733, A replaced by G.
Protein change: p.Thr245Ala; replaces threonine 245 with alanine.
Molecular consequence: missense variant.
Genome position (GRCh38, 1-based): chrX:21,497,838, A>G. VCF-style: chrX-21497838-A-G. GRCh37 (hg19) VCF-style: chrX-21515956-A-G.
Other names: c.733A>G, p.Thr245Ala (NM_001168647.3, NM_001168648.3, NM_001168649.3 and 4 more transcripts); short protein forms T245A.
Identifiers: ClinVar variation 4689874 (VCV004689874.1).
Genomic context (GRCh38, chrX:21,497,838, plus strand): 5'-TTTTCTTAGGGTATGTATATTAAATCTACATATGATGGCCTCCATGTAATTACTGGAACC[A>G]CAGAAAATGTAAGTATTCTAACCTTTCAAATTTTTAAGTGTGTTTTTCCCTTTTATTGCT-3'
Protein context (NP_055742.2, residues 235-255): YDGLHVITGT[Thr245Ala]ENSPADRCKK

ClinVar aggregate classification (germline): Uncertain significance (1 of 4 stars; one submission).

Submission:

GeneDx
Classification: Uncertain significance. Last evaluated: 2025-08-01. Review status: criteria provided, single submitter. Criteria: GeneDx Variant Classification Process June 2021. Collection method: clinical testing. Allele origin: germline. Affected: yes.
Comment: Not observed at significant frequency in large population cohorts (gnomAD); In silico analysis supports that this missense variant has a deleterious effect on protein structure/function; Has not been previously published as pathogenic or benign to our knowledge